The following is an entry in ClinVar:

ClinVar aggregate classification (germline): Uncertain significance (1 of 4 stars; one submission).

Allele frequency attached by ClinVar (database versions not stated): gnomAD exomes below 0.00001; gnomAD 0.00001.
gnomAD v4.1: 6 of 1,613,954 alleles (0.00037%); highest among the groups gnomAD compares: African/African-American, 0.004%; no homozygotes.

Submission:

Labcorp Genetics (formerly Invitae), Labcorp
Classification: Uncertain significance. Last evaluated: 2023-07-10. Review status: criteria provided, single submitter. Criteria: Invitae Variant Classification Sherloc (09022015). Collection method: clinical testing. Allele origin: germline.
Comment: In summary, the available evidence is currently insufficient to determine the role of this variant in disease. Therefore, it has been classified as a Variant of Uncertain Significance. Advanced modeling of protein sequence and biophysical properties (such as structural, functional, and spatial information, amino acid conservation, physicochemical variation, residue mobility, and thermodynamic stability) performed at Invitae indicates that this missense variant is expected to disrupt KANK1 protein function. This variant has not been reported in the literature in individuals affected with KANK1-related conditions. This variant is not present in population databases (gnomAD no frequency). This sequence change replaces arginine, which is basic and polar, with tryptophan, which is neutral and slightly polar, at codon 483 of the KANK1 protein (p.Arg483Trp).

NM_015158.5(KANK1):c.1447C>T (p.Arg483Trp)

Gene: KANK1 (KN motif and ankyrin repeat domains 1; plus strand). Cytogenetic location: 9p24.3.
Variant type: single nucleotide variant.
Coding change: c.1447C>T on transcript NM_015158.5 (MANE Select); coding-DNA position 1447, C replaced by T.
Protein change: p.Arg483Trp; replaces arginine 483 with tryptophan.
Molecular consequence: missense variant. On other transcripts: non-coding transcript variant (1).
Genome position (GRCh38, 1-based): chr9:712,213, C>T. VCF-style: chr9-712213-C-T. GRCh37 (hg19) VCF-style: chr9-712213-C-T.
Other names: c.1447C>T, p.Arg483Trp (NM_001256876.3, NM_001256877.3, NM_001354331.2 and 2 more transcripts); c.973C>T, p.Arg325Trp (NM_001354333.2, NM_001354335.2, NM_001354336.2 and 9 more transcripts); short protein forms R325W, R483W.
Identifiers: ClinVar variation 2824226 (VCV002824226.3), dbSNP rs1034876804, ClinGen allele CA187837179.